The following is an entry in ClinVar:

NM_033225.6(CSMD1):c.5448C>T (p.Pro1816=)

Gene: CSMD1 (CUB and Sushi multiple domains 1; minus strand). Cytogenetic location: 8p23.2.
Variant type: single nucleotide variant.
Coding change: c.5448C>T on transcript NM_033225.6 (MANE Select); coding-DNA position 5448, C replaced by T.
Protein change: p.Pro1816=; no amino-acid change (proline 1816 retained).
Molecular consequence: synonymous variant.
Genome position (GRCh38, 1-based): chr8:3,188,962, G>A on the plus strand (C>T on the coding strand, the complement: CSMD1 is on the minus strand). VCF-style: chr8-3188962-G-A. GRCh37 (hg19) VCF-style: chr8-3046484-G-A.
Identifiers: ClinVar variation 3045135 (VCV003045135.2), dbSNP rs200934039, ClinGen allele CA4606941.

ClinVar aggregate classification (germline): Benign (0 of 4 stars; one submission).

Conditions:
CSMD1-related disorder. Also called: CSMD1-related condition.

Allele frequency attached by ClinVar (database versions not stated): TOPMed 0.00018; ESP Exome Variant Server 0.00025; gnomAD 0.00049; gnomAD exomes 0.00109; ExAC 0.00269; 1000 Genomes Project 30x 0.00359; 1000 Genomes Project 0.00379.
gnomAD v4.1: 1,677 of 1,612,688 alleles (0.1%); highest among the groups gnomAD compares: South Asian, 1.5%; 20 homozygotes.

Submission:

PreventionGenetics, part of Exact Sciences
Classification: Benign for CSMD1-related condition. Last evaluated: 2019-03-19. Review status: no assertion criteria provided. Collection method: clinical testing. Allele origin: germline.
Comment: This variant is classified as benign based on ACMG/AMP sequence variant interpretation guidelines (Richards et al. 2015 PMID: 25741868, with internal and published modifications).